The following is an entry in ClinVar:

NM_022765.4(MICAL1):c.2411G>A (p.Arg804Gln)

Gene: MICAL1 (microtubule associated monooxygenase, calponin and LIM domain containing 1; minus strand). Cytogenetic location: 6q21.
Variant type: single nucleotide variant.
Coding change: c.2411G>A on transcript NM_022765.4 (MANE Select); coding-DNA position 2411, G replaced by A.
Protein change: p.Arg804Gln; replaces arginine 804 with glutamine.
Molecular consequence: missense variant.
Genome position (GRCh38, 1-based): chr6:109,446,306, C>T on the plus strand (G>A on the coding strand, the complement: MICAL1 is on the minus strand). VCF-style: chr6-109446306-C-T. GRCh37 (hg19) VCF-style: chr6-109767509-C-T.
Other names: c.2153G>A, p.Arg718Gln (NM_001159291.2); c.2468G>A, p.Arg823Gln (NM_001286613.2); short protein forms R823Q, R718Q, R804Q.
Identifiers: ClinVar variation 1961216 (VCV001961216.5), dbSNP rs781312968, ClinGen allele CA3952905.
Genomic context (GRCh38, chr6:109,446,306, plus strand): 5'-TCAGGGGTAAGGTTAAGGGAGGACAACCGCTGGCGCTCCGGGCTGGAGAGGCGGATCTGC[C>T]GACGGGTGGGCTGGCTGGGATCTGGAACAGGACCGGCCCCCTCCTGCGAGGCTGTGGGAG-3'
Protein context (NP_073602.3, residues 794-814): PVPDPSQPTR[Arg804Gln]QIRLSSPERQ

ClinVar aggregate classification (germline): Uncertain significance (1 of 4 stars; one submission).

Allele frequency attached by ClinVar (database versions not stated): TOPMed 0.00001; ExAC 0.00002.
gnomAD v4.1: 10 of 1,614,132 alleles (0.00062%); highest among the groups gnomAD compares: South Asian, 0.0066%; no homozygotes.

Submission:

Labcorp Genetics (formerly Invitae), Labcorp
Classification: Uncertain significance. Last evaluated: 2024-03-02. Review status: criteria provided, single submitter. Criteria: Invitae Variant Classification Sherloc (09022015). Collection method: clinical testing. Allele origin: germline.
Comment: This sequence change replaces arginine, which is basic and polar, with glutamine, which is neutral and polar, at codon 823 of the MICAL1 protein (p.Arg823Gln). This variant is present in population databases (rs781312968, gnomAD 0.01%). This variant has not been reported in the literature in individuals affected with MICAL1-related conditions. ClinVar contains an entry for this variant (Variation ID: 1961216). Algorithms developed to predict the effect of missense changes on protein structure and function output the following: SIFT: "Not Available"; PolyPhen-2: "Benign"; Align-GVGD: "Not Available". The glutamine amino acid residue is found in multiple mammalian species, which suggests that this missense change does not adversely affect protein function. In summary, the available evidence is currently insufficient to determine the role of this variant in disease. Therefore, it has been classified as a Variant of Uncertain Significance.